The following is an entry in ClinVar:

NM_021728.4(OTX2):c.38A>G (p.Asn13Ser)

Gene: OTX2 (orthodenticle homeobox 2; minus strand). Cytogenetic location: 14q22.3.
Variant type: single nucleotide variant.
Coding change: c.38A>G on transcript NM_021728.4 (MANE Select); coding-DNA position 38, A replaced by G.
Protein change: p.Asn13Ser; replaces asparagine 13 with serine.
Molecular consequence: missense variant. On other transcripts: non-coding transcript variant (2).
Genome position (GRCh38, 1-based): chr14:56,805,419, T>C on the plus strand (A>G on the coding strand, the complement: OTX2 is on the minus strand). VCF-style: chr14-56805419-T-C. GRCh37 (hg19) VCF-style: chr14-57272137-T-C.
Other names: c.38A>G, p.Asn13Ser (NM_001270523.2, NM_001270524.2, NM_001270525.2 and 1 more transcripts); short protein forms N13S.
Identifiers: ClinVar variation 1402314 (VCV001402314.5), dbSNP rs776356711, ClinGen allele CA7200583.

ClinVar aggregate classification (germline): Uncertain significance (1 of 4 stars; one submission).

Conditions:
Anophthalmia-microphthalmia syndrome. Also called: Anophthalmia - microphthalmia; Anophthalmia/Microphthalmia. Identifiers: Orphanet 98555, MedGen C5680330, MONDO:0020147.

Allele frequency attached by ClinVar (database versions not stated): TOPMed 0.00002; ExAC 0.00003; gnomAD 0.00003; gnomAD exomes 0.00003.
gnomAD v4.1: 54 of 1,613,934 alleles (0.0033%); highest among the groups gnomAD compares: East Asian, 0.0045%; no homozygotes.

Submission:

Labcorp Genetics (formerly Invitae), Labcorp
Classification: Uncertain significance for Anophthalmia-microphthalmia syndrome. Last evaluated: 2023-08-25. Review status: criteria provided, single submitter. Criteria: Invitae Variant Classification Sherloc (09022015). Collection method: clinical testing. Allele origin: germline.
Comment: This sequence change replaces asparagine, which is neutral and polar, with serine, which is neutral and polar, at codon 13 of the OTX2 protein (p.Asn13Ser). This variant is present in population databases (rs776356711, gnomAD 0.006%). This variant has not been reported in the literature in individuals affected with OTX2-related conditions. ClinVar contains an entry for this variant (Variation ID: 1402314). An algorithm developed to predict the effect of missense changes on protein structure and function (PolyPhen-2) suggests that this variant¬†is likely to be tolerated. In summary, the available evidence is currently insufficient to determine the role of this variant in disease. Therefore, it has been classified as a Variant of Uncertain Significance.